The following is an entry in ClinVar:

NM_005883.3(APC2):c.4701C>A (p.Ser1567Arg)

Gene: APC2 (APC regulator of WNT signaling pathway 2; plus strand). Cytogenetic location: 19p13.3.
Variant type: single nucleotide variant.
Coding change: c.4701C>A on transcript NM_005883.3 (MANE Select); coding-DNA position 4701, C replaced by A.
Protein change: p.Ser1567Arg; replaces serine 1567 with arginine.
Molecular consequence: missense variant.
Genome position (GRCh38, 1-based): chr19:1,468,002, C>A. VCF-style: chr19-1468002-C-A. GRCh37 (hg19) VCF-style: chr19-1468001-C-A.
Other names: c.4698C>A, p.Ser1566Arg (NM_001351273.1); c.4701C>A (NM_005883.2); short protein forms S1566R, S1567R.
Identifiers: ClinVar variation 2191298 (VCV002191298.3), dbSNP rs768283155, ClinGen allele CA9045901.

ClinVar aggregate classification (germline): Conflicting classifications of pathogenicity. Review status: criteria provided, conflicting classifications (1 of 4 stars). 2 submissions from 2 submitters: Uncertain significance (1); Likely benign (1). Last evaluated 2022-11-08.

Conditions:
Inborn genetic diseases. Identifiers: MedGen C0950123, MeSH D030342.

Allele frequency attached by ClinVar (database versions not stated): ExAC 0.00001; gnomAD 0.00001; TOPMed 0.00001.
gnomAD v4.1: 11 of 1,585,850 alleles (0.00069%); highest among the groups gnomAD compares: East Asian, 0.0023%; no homozygotes.

Submissions (2):

Labcorp Genetics (formerly Invitae), Labcorp
Classification: Uncertain significance. Last evaluated: 2022-11-08. Review status: criteria provided, single submitter. Criteria: Invitae Variant Classification Sherloc (09022015). Collection method: clinical testing. Allele origin: germline.
Comment: In summary, the available evidence is currently insufficient to determine the role of this variant in disease. Therefore, it has been classified as a Variant of Uncertain Significance. Advanced modeling of protein sequence and biophysical properties (such as structural, functional, and spatial information, amino acid conservation, physicochemical variation, residue mobility, and thermodynamic stability) performed at Invitae indicates that this missense variant is expected to disrupt APC2 protein function. This variant has not been reported in the literature in individuals affected with APC2-related conditions. The frequency data for this variant in the population databases is considered unreliable, as metrics indicate poor data quality at this position in the gnomAD database. This sequence change replaces serine, which is neutral and polar, with arginine, which is basic and polar, at codon 1567 of the APC2 protein (p.Ser1567Arg).

Ambry Genetics
Classification: Likely benign for Inborn genetic diseases. Last evaluated: 2022-08-30. Review status: criteria provided, single submitter. Criteria: Ambry Variant Classification Scheme 2023. Collection method: clinical testing. Allele origin: germline.